The following is an entry in ClinVar:

ClinVar aggregate classification (germline): Conflicting classifications of pathogenicity. Review status: criteria provided, conflicting classifications (1 of 4 stars). 3 submissions from 3 submitters: Uncertain significance (2); Likely benign (1). Last evaluated 2024-09-23.

Conditions:
Hereditary breast ovarian cancer syndrome. Also called: Hereditary breast and ovarian cancer; Hereditary breast and ovarian cancer syndrome (HBOC); Breast and ovarian cancer; Hereditary breast and ovarian cancer syndrome; BRCA1- and BRCA2-Associated Hereditary Breast and Ovarian Cancer; Hereditary breast and/or ovarian cancer syndrome. Identifiers: Orphanet 145, MedGen C0677776, MeSH D061325, MONDO:0003582. Disease mechanism: loss of function.
Hereditary cancer-predisposing syndrome. Also called: Tumor predisposition; Neoplastic Syndromes, Hereditary; Hereditary neoplastic syndrome; Hereditary Cancer Syndrome. Identifiers: Orphanet 140162, MedGen C0027672, MeSH D009386, MONDO:0015356.

Allele frequency attached by ClinVar (database versions not stated): gnomAD 0.00001.
gnomAD v4.1: 1 of 1,598,994 alleles (0.000063%); highest among the groups gnomAD compares: Admixed American, 0.0017%; no homozygotes.

Submissions (3):

Labcorp Genetics (formerly Invitae), Labcorp
Classification: Uncertain significance for Hereditary breast ovarian cancer syndrome. Last evaluated: 2024-09-23. Review status: criteria provided, single submitter. Criteria: Invitae Variant Classification Sherloc (09022015). Collection method: clinical testing. Allele origin: germline.
Comment: This sequence change replaces histidine, which is basic and polar, with tyrosine, which is neutral and polar, at codon 1266 of the BRCA2 protein (p.His1266Tyr). This variant is not present in population databases (gnomAD no frequency). This variant has not been reported in the literature in individuals affected with BRCA2-related conditions. ClinVar contains an entry for this variant (Variation ID: 632713). Invitae Evidence Modeling of protein sequence and biophysical properties (such as structural, functional, and spatial information, amino acid conservation, physicochemical variation, residue mobility, and thermodynamic stability) indicates that this missense variant is not expected to disrupt BRCA2 protein function with a negative predictive value of 95%. In summary, the available evidence is currently insufficient to determine the role of this variant in disease. Therefore, it has been classified as a Variant of Uncertain Significance.

University of Washington Department of Laboratory Medicine, University of Washington
Classification: Likely benign for Hereditary cancer-predisposing syndrome. Last evaluated: 2023-03-23. Review status: criteria provided, single submitter. Criteria: Dines et al. (Genet Med. 2020). Collection method: curation. Allele origin: germline.
Comment: Missense variant in a coldspot region where missense variants are very unlikely to be pathogenic (PMID:31911673).

BRCA2 exon 11 coldspot. Reclassification based on statistical prior probability.

Women's Health and Genetics/Laboratory Corporation of America, LabCorp
Classification: Uncertain significance. Last evaluated: 2017-12-29. Review status: criteria provided, single submitter. Criteria: LabCorp Variant Classification Summary - May 2015. Collection method: clinical testing. Allele origin: germline.
Comment: Variant summary: The BRCA2 c.3796C>T (p.His1266Tyr) variant involves the alteration of a non-conserved nucleotide and is predicted to be benign by 4/4 in silico tools (SNPsandGO not captured due to low reliability index). This variant is absent in 30942 control chromosomes (gnomAD). The variant of interest has not, to our knowledge, been reported in affected individuals via publications and/or reputable databases/clinical diagnostic laboratories, nor has it been evaluated for functional impact by in vivo/vitro studies. Another missense change at the same residue (p.H1266R) is classified as VUS in UMD. Because of the absence of clinical information and the lack of functional studies, the variant is classified as a variant of uncertain significance (VUS) until additional information becomes available.

NM_000059.4(BRCA2):c.3796C>T (p.His1266Tyr)

Gene: BRCA2 (BRCA2 DNA repair associated; plus strand). Cytogenetic location: 13q13.1.
Variant type: single nucleotide variant.
Coding change: c.3796C>T on transcript NM_000059.4 (MANE Select); coding-DNA position 3796, C replaced by T.
Protein change: p.His1266Tyr; replaces histidine 1266 with tyrosine.
Molecular consequence: missense variant.
Genome position (GRCh38, 1-based): chr13:32,338,151, C>T. VCF-style: chr13-32338151-C-T. GRCh37 (hg19) VCF-style: chr13-32912288-C-T.
Other names: short protein forms H1266Y.
Identifiers: ClinVar variation 632713 (VCV000632713.6), dbSNP rs1566229153, ClinGen allele CA387778395.